The following is an entry in ClinVar:

ClinVar aggregate classification (germline): Uncertain significance (1 of 4 stars; one submission).

Allele frequency attached by ClinVar (database versions not stated): gnomAD exomes below 0.00001 and 0.00001; TOPMed below 0.00001; gnomAD 0.00001; ExAC 0.00002.

Submission:

Labcorp Genetics (formerly Invitae), Labcorp
Classification: Uncertain significance. Last evaluated: 2022-08-19. Review status: criteria provided, single submitter. Criteria: Invitae Variant Classification Sherloc (09022015). Collection method: clinical testing. Allele origin: germline.
Comment: This sequence change replaces tyrosine, which is neutral and polar, with cysteine, which is neutral and slightly polar, at codon 552 of the THBD protein (p.Tyr552Cys). ClinVar contains an entry for this variant (Variation ID: 1384716). This variant has not been reported in the literature in individuals affected with THBD-related conditions. This variant is present in population databases (rs760184720, gnomAD 0.004%). Algorithms developed to predict the effect of missense changes on protein structure and function are either unavailable or do not agree on the potential impact of this missense change (SIFT: "Tolerated"; PolyPhen-2: "Probably Damaging"; Align-GVGD: "Class C25"). In summary, the available evidence is currently insufficient to determine the role of this variant in disease. Therefore, it has been classified as a Variant of Uncertain Significance.

NM_000361.3(THBD):c.1655A>G (p.Tyr552Cys)

Gene: THBD (thrombomodulin; minus strand). Cytogenetic location: 20p11.21.
Variant type: single nucleotide variant.
Coding change: c.1655A>G on transcript NM_000361.3 (MANE Select); coding-DNA position 1655, A replaced by G.
Protein change: p.Tyr552Cys; replaces tyrosine 552 with cysteine.
Molecular consequence: missense variant.
Genome position (GRCh38, 1-based): chr20:23,047,850, T>C on the plus strand (A>G on the coding strand, the complement: THBD is on the minus strand). VCF-style: chr20-23047850-T-C. GRCh37 (hg19) VCF-style: chr20-23028487-T-C.
Other names: short protein forms Y552C.
Identifiers: ClinVar variation 1384716 (VCV001384716.6), dbSNP rs760184720, ClinGen allele CA9787518.